The following is an entry in ClinVar:

ClinVar aggregate classification (germline): Uncertain significance (1 of 4 stars; one submission).

Submission:

GeneDx
Classification: Uncertain significance. Last evaluated: 2025-05-28. Review status: criteria provided, single submitter. Criteria: GeneDx Variant Classification Process June 2021. Collection method: clinical testing. Allele origin: germline. Affected: yes.
Comment: Identified in patients with paroxysmal kinesigenic dyskinesia, but it is unknown whether these individuals were tested for variants in other genes associated with paroxysmal kinesigenic dyskinesia (PMID: 34820915); In silico analysis supports that this missense variant has a deleterious effect on protein structure/function; Not observed at significant frequency in large population cohorts (gnomAD); This variant is associated with the following publications: (PMID: 34820915)

NM_153266.4(TMEM151A):c.704A>G (p.Tyr235Cys)

Gene: TMEM151A (transmembrane protein 151A; plus strand). Cytogenetic location: 11q13.2.
Variant type: single nucleotide variant.
Coding change: c.704A>G on transcript NM_153266.4 (MANE Select); coding-DNA position 704, A replaced by G.
Protein change: p.Tyr235Cys; replaces tyrosine 235 with cysteine.
Molecular consequence: missense variant.
Genome position (GRCh38, 1-based): chr11:66,294,950, A>G. VCF-style: chr11-66294950-A-G. GRCh37 (hg19) VCF-style: chr11-66062421-A-G.
Other names: short protein forms Y235C.
Identifiers: ClinVar variation 4532360 (VCV004532360.1).